The following is an entry in ClinVar:

NM_006019.4(TCIRG1):c.538C>T (p.Pro180Ser)

Gene: TCIRG1 (T cell immune regulator 1, ATPase H+ transporting V0 subunit a3; plus strand). Cytogenetic location: 11q13.2.
Variant type: single nucleotide variant.
Coding change: c.538C>T on transcript NM_006019.4 (MANE Select); coding-DNA position 538, C replaced by T.
Protein change: p.Pro180Ser; replaces proline 180 with serine.
Molecular consequence: missense variant. On other transcripts: 5 prime UTR variant (2), intron variant (7).
Genome position (GRCh38, 1-based): chr11:68,043,405, C>T. VCF-style: chr11-68043405-C-T. GRCh37 (hg19) VCF-style: chr11-67810872-C-T.
Other names: c.-373C>T (NM_001351059.2); c.538C>T, p.Pro180Ser (NM_001440552.1, NM_001440553.1, NM_001440554.1 and 4 more transcripts); c.496C>T, p.Pro166Ser (NM_001440555.1, NM_001440556.1, NM_001440563.1); c.238C>T, p.Pro80Ser (NM_001440565.1); c.-111C>T (NM_006053.4); c.503+374C>T (NM_001440569.1); c.418-166C>T (NM_001440561.1, NM_001440566.1, NM_001440562.1 and 1 more transcripts); c.376-166C>T (NM_001440564.1, NM_001440568.1); short protein forms P166S, P180S, P80S.
Identifiers: ClinVar variation 4766535 (VCV004766535.1).

ClinVar aggregate classification (germline): Uncertain significance (1 of 4 stars; one submission).

Submission:

Labcorp Genetics (formerly Invitae), Labcorp
Classification: Uncertain significance. Last evaluated: 2025-09-22. Review status: criteria provided, single submitter. Criteria: Invitae Variant Classification Sherloc (09022015). Collection method: clinical testing. Allele origin: germline.
Comment: This sequence change replaces proline, which is neutral and non-polar, with serine, which is neutral and polar, at codon 180 of the TCIRG1 protein (p.Pro180Ser). This variant is not present in population databases (gnomAD no frequency). This variant has not been reported in the literature in individuals affected with TCIRG1-related conditions. Invitae Evidence Modeling of protein sequence and biophysical properties (such as structural, functional, and spatial information, amino acid conservation, physicochemical variation, residue mobility, and thermodynamic stability) indicates that this missense variant is not expected to disrupt TCIRG1 protein function with a negative predictive value of 80%. In summary, the available evidence is currently insufficient to determine the role of this variant in disease. Therefore, it has been classified as a Variant of Uncertain Significance.